The following is an entry in ClinVar:

ClinVar aggregate classification (germline): Uncertain significance (1 of 4 stars; one submission).

gnomAD v4.1: 9 of 1,614,224 alleles (0.00056%); highest among the groups gnomAD compares: South Asian, 0.0055%; no homozygotes.

Submission:

Labcorp Genetics (formerly Invitae), Labcorp
Classification: Uncertain significance. Last evaluated: 2024-09-01. Review status: criteria provided, single submitter. Criteria: Invitae Variant Classification Sherloc (09022015). Collection method: clinical testing. Allele origin: germline.
Comment: This sequence change replaces isoleucine, which is neutral and non-polar, with valine, which is neutral and non-polar, at codon 1604 of the TCF20 protein (p.Ile1604Val). This variant is present in population databases (rs750976051, gnomAD 0.01%). This variant has not been reported in the literature in individuals affected with TCF20-related conditions. An algorithm developed to predict the effect of missense changes on protein structure and function (PolyPhen-2) suggests that this variant is likely to be tolerated. In summary, the available evidence is currently insufficient to determine the role of this variant in disease. Therefore, it has been classified as a Variant of Uncertain Significance.

NM_001378418.1(TCF20):c.4810A>G (p.Ile1604Val)

Gene: TCF20 (transcription factor 20; minus strand). Cytogenetic location: 22q13.2.
Variant type: single nucleotide variant.
Coding change: c.4810A>G on transcript NM_001378418.1 (MANE Select); coding-DNA position 4810, A replaced by G.
Protein change: p.Ile1604Val; replaces isoleucine 1604 with valine.
Molecular consequence: missense variant.
Genome position (GRCh38, 1-based): chr22:42,210,496, T>C on the plus strand (A>G on the coding strand, the complement: TCF20 is on the minus strand). VCF-style: chr22-42210496-T-C. GRCh37 (hg19) VCF-style: chr22-42606502-T-C.
Other names: c.4810A>G, p.Ile1604Val (NM_181492.3, NM_005650.4); short protein forms I1604V.
Identifiers: ClinVar variation 3716567 (VCV003716567.2).
Genomic context (GRCh38, chr22:42,210,496, plus strand): 5'-TTTTATCCAGTGGCTGGGTGGCATATTTTAGTTTGATCTCAGGTTCTTGGGGTTCCACAA[T>C]GGGAACTGCTTGTTTGGTTTTTCGCTTCCTCGGCTGGGCCCCAGGCTTCCTTCTCTCCCT-3'
Protein context (NP_001365347.1, residues 1594-1614): RKRKTKQAVP[Ile1604Val]VEPQEPEIKL